The following is an entry in ClinVar:

ClinVar aggregate classification (germline): Uncertain significance (1 of 4 stars; one submission).

Submission:

Labcorp Genetics (formerly Invitae), Labcorp
Classification: Uncertain significance. Last evaluated: 2025-08-08. Review status: criteria provided, single submitter. Criteria: Invitae Variant Classification Sherloc (09022015). Collection method: clinical testing. Allele origin: germline.
Comment: This sequence change replaces threonine, which is neutral and polar, with serine, which is neutral and polar, at codon 243 of the SH3KBP1 protein (p.Thr243Ser). This variant is not present in population databases (gnomAD no frequency). This variant has not been reported in the literature in individuals affected with SH3KBP1-related conditions. ClinVar contains an entry for this variant (Variation ID: 2832931). An algorithm developed to predict the effect of missense changes on protein structure and function (PolyPhen-2) suggests that this variant is likely to be tolerated. In summary, the available evidence is currently insufficient to determine the role of this variant in disease. Therefore, it has been classified as a Variant of Uncertain Significance.

NM_031892.3(SH3KBP1):c.728C>G (p.Thr243Ser)

Gene: SH3KBP1 (SH3 domain containing kinase binding protein 1; minus strand). Cytogenetic location: Xp22.12.
Variant type: single nucleotide variant.
Coding change: c.728C>G on transcript NM_031892.3 (MANE Select); coding-DNA position 728, C replaced by G.
Protein change: p.Thr243Ser; replaces threonine 243 with serine.
Molecular consequence: missense variant.
Genome position (GRCh38, 1-based): chrX:19,645,474, G>C on the plus strand (C>G on the coding strand, the complement: SH3KBP1 is on the minus strand). VCF-style: chrX-19645474-G-C. GRCh37 (hg19) VCF-style: chrX-19663592-G-C.
Other names: c.617C>G, p.Thr206Ser (NM_001024666.3); c.14C>G, p.Thr5Ser (NM_001184960.2, NM_001353897.2); c.728C>G, p.Thr243Ser (NM_001353890.2); c.803C>G, p.Thr268Ser (NM_001353891.2, NM_001353892.2); c.626C>G, p.Thr209Ser (NM_001353893.2, NM_001353894.2); c.683C>G, p.Thr228Ser (NM_001353895.2); c.860C>G, p.Thr287Ser (NM_001410756.1, NM_001410757.1); c.551C>G, p.Thr184Ser (NM_001410758.1); short protein forms T209S, T268S, T184S, T243S, T206S, T228S, T287S, T5S.
Identifiers: ClinVar variation 2832931 (VCV002832931.3), dbSNP rs2519834813, ClinGen allele CA412497499.